The following is an entry in ClinVar:

NM_015354.3(NUP188):c.822G>T (p.Val274=)

Gene: NUP188 (nucleoporin 188; plus strand). Cytogenetic location: 9q34.11.
Variant type: single nucleotide variant.
Coding change: c.822G>T on transcript NM_015354.3 (MANE Select); coding-DNA position 822, G replaced by T.
Protein change: p.Val274=; no amino-acid change (valine 274 retained).
Molecular consequence: synonymous variant.
Genome position (GRCh38, 1-based): chr9:128,969,424, G>T. VCF-style: chr9-128969424-G-T. GRCh37 (hg19) VCF-style: chr9-131731703-G-T.
Identifiers: ClinVar variation 4875004 (VCV004875004.2).

ClinVar aggregate classification (germline): Likely benign (1 of 4 stars; one submission).

gnomAD v4.1: 2 of 1,609,394 alleles (0.00012%); highest among the groups gnomAD compares: Admixed American, 0.0034%; no homozygotes.

Submission:

CeGaT Center for Human Genetics Tuebingen
Classification: Likely benign. Last evaluated: 2026-05-01. Review status: criteria provided, single submitter. Criteria: CeGaT Center For Human Genetics Tuebingen Variant Classification Criteria Version 2. Collection method: clinical testing. Allele origin: germline. Affected: yes. Observed: 1 variant allele.
Comment: NUP188: BP4, BP7